The following is an entry in ClinVar:

ClinVar aggregate classification (germline): Uncertain significance (1 of 4 stars; one submission).

Allele frequency attached by ClinVar (database versions not stated): gnomAD 0.00001; TOPMed 0.00001; ExAC 0.00002; gnomAD exomes 0.00002; ESP Exome Variant Server 0.00008.
gnomAD v4.1: 30 of 1,614,046 alleles (0.0019%); highest among the groups gnomAD compares: African/African-American, 0.0053%; no homozygotes.

Submission:

Labcorp Genetics (formerly Invitae), Labcorp
Classification: Uncertain significance. Last evaluated: 2022-01-31. Review status: criteria provided, single submitter. Criteria: Invitae Variant Classification Sherloc (09022015). Collection method: clinical testing. Allele origin: germline.
Comment: This sequence change replaces arginine, which is basic and polar, with glutamine, which is neutral and polar, at codon 2628 of the COL7A1 protein (p.Arg2628Gln). This variant is present in population databases (rs373590491, gnomAD 0.008%). This variant has not been reported in the literature in individuals affected with COL7A1-related conditions. Advanced modeling of protein sequence and biophysical properties (such as structural, functional, and spatial information, amino acid conservation, physicochemical variation, residue mobility, and thermodynamic stability) performed at Invitae indicates that this missense variant is not expected to disrupt COL7A1 protein function. This variant disrupts the p.Arg2628 amino acid residue in COL7A1. Other variant(s) that disrupt this residue have been determined to be pathogenic (PMID: 20555349, 32484238). This suggests that this residue is clinically significant, and that variants that disrupt this residue are likely to be disease-causing. In summary, the available evidence is currently insufficient to determine the role of this variant in disease. Therefore, it has been classified as a Variant of Uncertain Significance.

Literature cited by the submitters: PubMed 20555349; PubMed 32484238.

NM_000094.4(COL7A1):c.7883G>A (p.Arg2628Gln)

Gene: COL7A1 (collagen type VII alpha 1 chain; minus strand). Cytogenetic location: 3p21.31.
Variant type: single nucleotide variant.
Coding change: c.7883G>A on transcript NM_000094.4 (MANE Select); coding-DNA position 7883, G replaced by A.
Protein change: p.Arg2628Gln; replaces arginine 2628 with glutamine.
Molecular consequence: missense variant.
Genome position (GRCh38, 1-based): chr3:48,567,884, C>T on the plus strand (G>A on the coding strand, the complement: COL7A1 is on the minus strand). VCF-style: chr3-48567884-C-T. GRCh37 (hg19) VCF-style: chr3-48605317-C-T.
Other names: short protein forms R2628Q.
Identifiers: ClinVar variation 2140796 (VCV002140796.1), dbSNP rs373590491, ClinGen allele CA2378263.